The following is an entry in ClinVar:

ClinVar aggregate classification (germline): Uncertain significance. Review status: criteria provided, multiple submitters, no conflicts (2 of 4 stars). 3 submissions from 3 submitters: Uncertain significance (3). Last evaluated 2024-10-22.

Conditions:
Inborn genetic diseases. Identifiers: MedGen C0950123, MeSH D030342.
Xeroderma pigmentosum (XP). Identifiers: Orphanet 910, MedGen C0043346, MONDO:0019600.

Allele frequency attached by ClinVar (database versions not stated): gnomAD 0.00001; gnomAD exomes 0.00001; TOPMed 0.00002.
gnomAD v4.1: 22 of 1,614,074 alleles (0.0014%); highest among the groups gnomAD compares: South Asian, 0.0022%; 1 homozygote.

Submissions (3):

Labcorp Genetics (formerly Invitae), Labcorp
Classification: Uncertain significance. Last evaluated: 2024-10-22. Review status: criteria provided, single submitter. Criteria: Invitae Variant Classification Sherloc (09022015). Collection method: clinical testing. Allele origin: germline.
Comment: This sequence change replaces phenylalanine, which is neutral and non-polar, with leucine, which is neutral and non-polar, at codon 473 of the ERCC2 protein (p.Phe473Leu). This variant is present in population databases (no rsID available, gnomAD 0.002%). This variant has not been reported in the literature in individuals affected with ERCC2-related conditions. ClinVar contains an entry for this variant (Variation ID: 1431461). Invitae Evidence Modeling of protein sequence and biophysical properties (such as structural, functional, and spatial information, amino acid conservation, physicochemical variation, residue mobility, and thermodynamic stability) indicates that this missense variant is expected to disrupt ERCC2 protein function with a positive predictive value of 80%. In summary, the available evidence is currently insufficient to determine the role of this variant in disease. Therefore, it has been classified as a Variant of Uncertain Significance.

Sema4
Classification: Uncertain significance for Xeroderma pigmentosum. Last evaluated: 2022-01-06. Review status: criteria provided, single submitter. Criteria: Sema4 Curation Guidelines. Collection method: curation. Allele origin: germline.
Comment: To the best of our knowledge, the ERCC2 c.1419C>A (p.F473L) variant has not been reported in individuals with ERCC2-related disease. It was observed in 3/129056 chromosomes of the European (non-Finnish) subpopulation, in the large and broad cohorts of the Genome Aggregation Database (PMID: 32461654). This variant has not been reported in ClinVar. Functional studies have not been performed, and in silico predictions of the variant's effect on protein function are inconclusive. The evidence is insufficient to meet ACMG/AMP criteria for classifying the variant as benign or pathogenic. Thus, the clinical significance of this variant is currently uncertain.

Ambry Genetics
Classification: Uncertain significance for Inborn genetic diseases. Last evaluated: 2021-10-06. Review status: criteria provided, single submitter. Criteria: Ambry Variant Classification Scheme 2023. Collection method: clinical testing. Allele origin: germline.

NM_000400.4(ERCC2):c.1419C>A (p.Phe473Leu)

Gene: ERCC2 (ERCC excision repair 2, TFIIH core complex helicase subunit; minus strand). Cytogenetic location: 19q13.32.
Variant type: single nucleotide variant.
Coding change: c.1419C>A on transcript NM_000400.4 (MANE Select); coding-DNA position 1419, C replaced by A.
Protein change: p.Phe473Leu; replaces phenylalanine 473 with leucine.
Molecular consequence: missense variant.
Genome position (GRCh38, 1-based): chr19:45,357,330, G>T on the plus strand (C>A on the coding strand, the complement: ERCC2 is on the minus strand). VCF-style: chr19-45357330-G-T. GRCh37 (hg19) VCF-style: chr19-45860588-G-T.
Other names: short protein forms F473L.
Identifiers: ClinVar variation 1431461 (VCV001431461.7), dbSNP rs1359215642, ClinGen allele CA406367146.